The following is an entry in ClinVar:

ClinVar aggregate classification (germline): Likely pathogenic (1 of 4 stars; one submission).

Conditions:
MCM8-related disorder. Also called: MCM8-related condition.

Submission:

PreventionGenetics, part of Exact Sciences
Classification: Likely pathogenic for MCM8-related condition. Last evaluated: 2026-02-02. Review status: criteria provided, single submitter. Criteria: ACMG Guidelines, 2015. Collection method: clinical testing. Allele origin: germline.
Comment: The MCM8 c.852dupT variant is predicted to result in a frameshift and premature protein termination (p.Thr285Tyrfs*15). To our knowledge, this variant has not been reported in the literature or in a large population database (gnomAD), indicating this variant is rare. Frameshift variants in MCM8 are expected to be pathogenic. This variant is interpreted as likely pathogenic.

NM_032485.6(MCM8):c.852dup (p.Thr285fs)

Gene: MCM8 (minichromosome maintenance 8 homologous recombination repair factor; plus strand). Cytogenetic location: 20p12.3.
Variant type: Duplication.
Coding change: c.852dup on transcript NM_032485.6 (MANE Select); coding-DNA position 852, one base duplicated (T; older notation c.852dupT).
Protein change: p.Thr285fs; shifts the reading frame from threonine 285.
Molecular consequence: frameshift variant.
Genome position (GRCh38, 1-based): chr20:5,963,336, T duplicated; the last of 2 consecutive T bases (chr20:5,963,335-5,963,336); duplicating either gives the same sequence. VCF-style (leftmost placement, unchanged base first): chr20-5963334-G-GT. GRCh37 (hg19) VCF-style: chr20-5943980-G-GT.
Other names: c.852dup, p.Thr285fs (NM_001281520.2, NM_001281521.2, NM_001281522.2 and 1 more transcripts); short protein forms T285fs.
Identifiers: ClinVar variation 4991036 (VCV004991036.1).